The following is an entry in ClinVar:

NM_001164277.2(SLC37A4):c.1066A>T (p.Ser356Cys)

Gene: SLC37A4 (solute carrier family 37 member 4; minus strand). Cytogenetic location: 11q23.3.
Variant type: single nucleotide variant.
Coding change: c.1066A>T on transcript NM_001164277.2 (MANE Select); coding-DNA position 1066, A replaced by T.
Protein change: p.Ser356Cys; replaces serine 356 with cysteine.
Molecular consequence: missense variant.
Genome position (GRCh38, 1-based): chr11:119,025,248, T>A on the plus strand (A>T on the coding strand, the complement: SLC37A4 is on the minus strand). VCF-style: chr11-119025248-T-A. GRCh37 (hg19) VCF-style: chr11-118895958-T-A.
Other names: c.1132A>T, p.Ser378Cys (NM_001164278.2); c.847A>T, p.Ser283Cys (NM_001164279.2); c.1066A>T, p.Ser356Cys (NM_001164280.2, NM_001467.6); short protein forms S283C, S356C, S378C.
Identifiers: ClinVar variation 3599127 (VCV003599127.3).

ClinVar aggregate classification (germline): Uncertain significance. Review status: criteria provided, multiple submitters, no conflicts (2 of 4 stars). 2 submissions from 2 submitters: Uncertain significance (2). Last evaluated 2024-05-20.

Conditions:
Phosphate transport defect (GSD1C). Also called: GLYCOGEN STORAGE DISEASE Ic; GSD Ic. Identifiers: Orphanet 364, Orphanet 79259, MedGen C0342749, OMIM 232240.
Glucose-6-phosphate transport defect (GSD1B). Also called: GSD Ib; Glycogen Storage Disease Type Ib. Identifiers: Orphanet 364, Orphanet 79259, MedGen C0268146, MONDO:0009288, OMIM 232220.
Congenital disorder of glycosylation, type IIw. Identifiers: MedGen C5561986, MONDO:0030437, OMIM 619525.

Submissions (2):

Labcorp Genetics (formerly Invitae), Labcorp
Classification: Uncertain significance for Glucose-6-phosphate transport defect. Last evaluated: 2024-05-20. Review status: criteria provided, single submitter. Criteria: Invitae Variant Classification Sherloc (09022015). Collection method: clinical testing. Allele origin: germline.
Comment: This sequence change replaces serine, which is neutral and polar, with cysteine, which is neutral and slightly polar, at codon 356 of the SLC37A4 protein (p.Ser356Cys). This variant is present in population databases (no rsID available, gnomAD 0.003%). This variant has not been reported in the literature in individuals affected with SLC37A4-related conditions. Advanced modeling of protein sequence and biophysical properties (such as structural, functional, and spatial information, amino acid conservation, physicochemical variation, residue mobility, and thermodynamic stability) performed at Invitae indicates that this missense variant is not expected to disrupt SLC37A4 protein function with a negative predictive value of 80%. In summary, the available evidence is currently insufficient to determine the role of this variant in disease. Therefore, it has been classified as a Variant of Uncertain Significance.

Fulgent Genetics
Classification: Uncertain significance for Glucose-6-phosphate transport defect; Phosphate transport defect; Congenital disorder of glycosylation, type IIw. Last evaluated: 2024-03-20. Review status: criteria provided, single submitter. Criteria: ACMG Guidelines, 2015. Collection method: clinical testing. Allele origin: germline.